The following is an entry in ClinVar:

NC_000006.11:g.(?_45296464)_(45480154_?)del

Genes: RUNX2 (RUNX family transcription factor 2; plus strand), SUPT3H (SPT3 homolog, SAGA and STAGA complex component; minus strand). Cytogenetic location: 6p21.1.
Variant type: Deletion.
Identifiers: ClinVar variation 1406741 (VCV001406741.4).

ClinVar aggregate classification (germline): Pathogenic (1 of 4 stars; one submission).

Submission:

Labcorp Genetics (formerly Invitae), Labcorp
Classification: Pathogenic. Last evaluated: 2021-02-14. Review status: criteria provided, single submitter. Criteria: Invitae Variant Classification Sherloc (09022015). Collection method: clinical testing. Allele origin: germline.
Comment: For these reasons, this variant has been classified as Pathogenic. This variant has not been reported in the literature in individuals with RUNX2-related conditions. This variant is a gross deletion of the genomic region encompassing exon(s) 2-7 of the RUNX2 gene, which includes the initiator codon. The 5' end of this event is unknown as it extends beyond the assayed region for this gene and therefore may encompass additional genes. The 3' boundary is likely confined to intron 7 of the RUNX2 gene. It is expected to result in an absent or disrupted protein product. Loss-of-function variants in RUNX2 are known to be pathogenic (PMID: 10521292, 11857736).

Literature cited by the submitters: PubMed 10521292; PubMed 11857736.